The following is an entry in ClinVar:

NM_198994.3(TGM6):c.1968-10C>T

Gene: TGM6 (transglutaminase 6; plus strand). Cytogenetic location: 20p13.
Variant type: single nucleotide variant.
Coding change: c.1968-10C>T on transcript NM_198994.3 (MANE Select); 10 bases into the intron before coding-DNA position 1968, C replaced by T.
Molecular consequence: intron variant.
Genome position (GRCh38, 1-based): chr20:2,432,480, C>T. VCF-style: chr20-2432480-C-T. GRCh37 (hg19) VCF-style: chr20-2413126-C-T.
Other names: p.?; c.1834-10C>T (NM_001254734.2).
Identifiers: ClinVar variation 337939 (VCV000337939.21), dbSNP rs6036467, ClinGen allele CA9732262.

ClinVar aggregate classification (germline): Benign. Review status: criteria provided, multiple submitters, no conflicts (2 of 4 stars). 11 submissions from 11 submitters: Benign (9). 2 of the submissions do not count toward it. Last evaluated 2026-02-03.

Conditions:
Spinocerebellar ataxia type 35. Identifiers: Orphanet 276193, MedGen C3888031, MONDO:0013485, OMIM 613908.

Allele frequency attached by ClinVar (database versions not stated): gnomAD exomes 0.98125 and 0.98740; ESP Exome Variant Server 0.98601; ExAC 0.98680; gnomAD 0.98682 and 0.98743; TOPMed 0.98871; 1000 Genomes Project 30x 0.99563; 1000 Genomes Project 0.99581.
gnomAD v4.1: 1,584,781 of 1,613,836 alleles (98%); highest among the groups gnomAD compares: East Asian, 100%; 778,203 homozygotes.

Submissions (11):

Labcorp Genetics (formerly Invitae), Labcorp
Classification: Benign. Last evaluated: 2026-02-03. Review status: criteria provided, single submitter. Criteria: Invitae Variant Classification Sherloc (09022015). Collection method: clinical testing. Allele origin: germline.

Blueprint Genetics
Classification: Benign. Last evaluated: 2024-11-28. Review status: criteria provided, single submitter. Criteria: ACMG Guidelines, 2015. Collection method: clinical testing. Allele origin: germline.

Mayo Clinic Laboratories, Mayo Clinic
Classification: Benign. Last evaluated: 2022-03-24. Review status: criteria provided, single submitter. Criteria: ACMG Guidelines, 2015. Collection method: clinical testing. Allele origin: germline. Observed: 484 variant alleles.

Genome-Nilou Lab
Classification: Benign for Spinocerebellar ataxia type 35. Last evaluated: 2021-09-10. Review status: criteria provided, single submitter. Criteria: ACMG Guidelines, 2015. Collection method: clinical testing. Allele origin: germline. Affected: no.

GeneDx
Classification: Benign. Last evaluated: 2019-09-25. Review status: criteria provided, single submitter. Criteria: GeneDx Variant Classification Process June 2021. Collection method: clinical testing. Allele origin: germline. Affected: yes.

Athena Diagnostics
Classification: Benign. Last evaluated: 2019-07-15. Review status: criteria provided, single submitter. Criteria: Athena Diagnostics Criteria. Collection method: clinical testing. Allele origin: germline.

Illumina Laboratory Services, Illumina
Classification: Benign for Spinocerebellar ataxia type 35. Last evaluated: 2018-01-13. Review status: criteria provided, single submitter. Criteria: ICSL Variant Classification Criteria 13 December 2019. Collection method: clinical testing. Allele origin: germline.
Comment: This variant was observed in the ICSL laboratory as part of a predisposition screen in an ostensibly healthy population. It had not been previously curated by ICSL or reported in the Human Gene Mutation Database (HGMD: prior to June 1st, 2018), and was therefore a candidate for classification through an automated scoring system. Utilizing variant allele frequency, disease prevalence and penetrance estimates, and inheritance mode, an automated score was calculated to assess if this variant is too frequent to cause the disease. Based on the score and internal cut-off values, a variant classified as benign is not then subjected to further curation. The score for this variant resulted in a classification of benign for this disease.

Clinical Genetics DNA and cytogenetics Diagnostics Lab, Erasmus MC, Erasmus Medical Center
Classification: Benign for Spinocerebellar ataxia type 35. Last evaluated: 2015-09-21. Review status: criteria provided, single submitter. Criteria: ACGS Guidelines, 2013. Collection method: clinical testing. Allele origin: germline. Affected: yes. Study: VKGL Data-share Consensus.

Breakthrough Genomics
Classification: Benign. Review status: criteria provided, single submitter. Criteria: ACMG Guidelines, 2015. Collection method: not provided. Allele origin: germline. Inheritance: Autosomal dominant inheritance. Affected: yes.

Diagnostic Laboratory, Department of Genetics, University Medical Center Groningen
Classification: Benign for Spinocerebellar ataxia type 35. Review status: no assertion criteria provided. Collection method: clinical testing. Allele origin: germline. Affected: yes. Study: VKGL Data-share Consensus. Not counted in ClinVar's aggregate classification.

Joint Genome Diagnostic Labs from Nijmegen and Maastricht, Radboudumc and MUMC+
Classification: Benign. Review status: no assertion criteria provided. Collection method: clinical testing. Allele origin: germline. Affected: yes. Study: VKGL Data-share Consensus. Not counted in ClinVar's aggregate classification.